The following is an entry in ClinVar:

NM_012062.5(DNM1L):c.457-2A>G

Gene: DNM1L (dynamin 1 like; plus strand). Cytogenetic location: 12p11.21.
Variant type: single nucleotide variant.
Coding change: c.457-2A>G on transcript NM_012062.5 (MANE Select); the canonical splice acceptor site of the intron before coding-DNA position 457, A replaced by G.
Molecular consequence: splice acceptor variant. On other transcripts: intron variant (1).
Genome position (GRCh38, 1-based): chr12:32,713,207, A>G. VCF-style: chr12-32713207-A-G. GRCh37 (hg19) VCF-style: chr12-32866141-A-G.
Other names: c.496-2A>G (NM_001278464.2, NM_001278465.2, NM_001330380.2); c.131+5794A>G (NM_001278466.2); c.457-2A>G (NM_001278463.2, NM_012063.4, NM_005690.5).
Identifiers: ClinVar variation 1485013 (VCV001485013.8), dbSNP rs2137372686, ClinGen allele CA384367123.

ClinVar aggregate classification (germline): Likely pathogenic (1 of 4 stars; one submission).

Submission:

Labcorp Genetics (formerly Invitae), Labcorp
Classification: Likely pathogenic. Last evaluated: 2022-08-06. Review status: criteria provided, single submitter. Criteria: Invitae Variant Classification Sherloc (09022015). Collection method: clinical testing. Allele origin: germline.
Comment: In summary, the currently available evidence indicates that the variant is pathogenic, but additional data are needed to prove that conclusively. Therefore, this variant has been classified as Likely Pathogenic. Algorithms developed to predict the effect of sequence changes on RNA splicing suggest that this variant may disrupt the consensus splice site. ClinVar contains an entry for this variant (Variation ID: 1485013). This variant has not been reported in the literature in individuals affected with DNM1L-related conditions. This variant is not present in population databases (gnomAD no frequency). This sequence change affects an acceptor splice site in intron 5 of the DNM1L gene. It is expected to disrupt RNA splicing. Variants that disrupt the donor or acceptor splice site typically lead to a loss of protein function (PMID: 16199547), and loss-of-function variants in DNM1L are known to be pathogenic (PMID: 26825290, 27328748).

Literature cited by the submitters: PubMed 16199547; PubMed 26825290; PubMed 27328748.